The following is an entry in ClinVar:

NM_005188.4(CBL):c.184C>G (p.Leu62Val)

Genes: CBL (Cbl proto-oncogene; plus strand), LOC130006895 (ATAC-STARR-seq lymphoblastoid silent region 3975; plus strand). Cytogenetic location: 11q23.3.
Variant type: single nucleotide variant.
Coding change: c.184C>G on transcript NM_005188.4 (MANE Select); coding-DNA position 184, C replaced by G.
Protein change: p.Leu62Val; replaces leucine 62 with valine.
Molecular consequence: missense variant.
Genome position (GRCh38, 1-based): chr11:119,206,601, C>G. VCF-style: chr11-119206601-C-G. GRCh37 (hg19) VCF-style: chr11-119077311-C-G.
Other names: c.184C>G (NM_005188.2); short protein forms L62V.
Identifiers: ClinVar variation 1482039 (VCV001482039.7), dbSNP rs1459635883, ClinGen allele CA382976696.
Genomic context (GRCh38, chr11:119,206,601, plus strand): 5'-CACCTCAGCCCCCACCCGCCGGGGACGGTGGACAAGAAGATGGTGGAGAAGTGCTGGAAG[C>G]TCATGGACAAGGTGAAAGGCCGGCTGAGCGCCCGCTGTTGCAGGGTGGGCGTGGGCGGAG-3'
Protein context (NP_005179.2, residues 52-72): DKKMVEKCWK[Leu62Val]MDKVVRLCQN

ClinVar aggregate classification (germline): Uncertain significance. Review status: criteria provided, multiple submitters, no conflicts (2 of 4 stars). 2 submissions from 2 submitters: Uncertain significance (2). Last evaluated 2024-05-24.

Conditions:
Cardiovascular phenotype. Identifiers: MedGen CN230736.
RASopathy. Also called: Noonan spectrum disorder; rasopathies. Identifiers: Orphanet 536391, MedGen C5555857, MONDO:0021060.

Submissions (2):

Ambry Genetics
Classification: Uncertain significance for Cardiovascular phenotype. Last evaluated: 2024-05-24. Review status: criteria provided, single submitter. Criteria: Ambry Variant Classification Scheme 2023. Collection method: clinical testing. Allele origin: germline.

Labcorp Genetics (formerly Invitae), Labcorp
Classification: Uncertain significance for RASopathy. Last evaluated: 2022-11-19. Review status: criteria provided, single submitter. Criteria: Invitae Variant Classification Sherloc (09022015). Collection method: clinical testing. Allele origin: germline.
Comment: This variant is not present in population databases (gnomAD no frequency). This variant has not been reported in the literature in individuals affected with CBL-related conditions. This sequence change replaces leucine, which is neutral and non-polar, with valine, which is neutral and non-polar, at codon 62 of the CBL protein (p.Leu62Val). ClinVar contains an entry for this variant (Variation ID: 1482039). Algorithms developed to predict the effect of missense changes on protein structure and function (SIFT, PolyPhen-2, Align-GVGD) all suggest that this variant is likely to be tolerated. In summary, the available evidence is currently insufficient to determine the role of this variant in disease. Therefore, it has been classified as a Variant of Uncertain Significance.